The following is an entry in ClinVar:

ClinVar aggregate classification (germline): Benign. Review status: criteria provided, single submitter (1 of 4 stars). 2 submissions from 2 submitters: Benign (1). 1 of the submissions does not count toward it. Last evaluated 2018-08-08.

Conditions:
TAF15-related disorder. Also called: TAF15-related condition.

Allele frequency attached by ClinVar (database versions not stated): gnomAD exomes 0.00008 and 0.00017; ExAC 0.00021; ESP Exome Variant Server 0.00054; gnomAD 0.00094 and 0.00102; TOPMed 0.00104; 1000 Genomes Project 0.00140.
gnomAD v4.1: 276 of 1,611,402 alleles (0.017%); highest among the groups gnomAD compares: African/African-American, 0.32%; 1 homozygote.

Submissions (2):

Labcorp Genetics (formerly Invitae), Labcorp
Classification: Benign. Last evaluated: 2018-08-08. Review status: criteria provided, single submitter. Criteria: Invitae Variant Classification Sherloc (09022015). Collection method: clinical testing. Allele origin: germline.

PreventionGenetics, part of Exact Sciences
Classification: Likely benign for TAF15-related condition. Last evaluated: 2023-02-08. Review status: no assertion criteria provided. Collection method: clinical testing. Allele origin: germline. Not counted in ClinVar's aggregate classification.
Comment: This variant is classified as likely benign based on ACMG/AMP sequence variant interpretation guidelines (Richards et al. 2015 PMID: 25741868, with internal and published modifications).

NM_139215.3(TAF15):c.1686A>C (p.Arg562=)

Gene: TAF15 (TATA-box binding protein associated factor 15; plus strand). Cytogenetic location: 17q12.
Variant type: single nucleotide variant.
Coding change: c.1686A>C on transcript NM_139215.3 (MANE Select); coding-DNA position 1686, A replaced by C.
Protein change: p.Arg562=; no amino-acid change (arginine 562 retained).
Molecular consequence: synonymous variant.
Genome position (GRCh38, 1-based): chr17:35,844,985, A>C. VCF-style: chr17-35844985-A-C. GRCh37 (hg19) VCF-style: chr17-34171989-A-C.
Other names: c.1677A>C, p.Arg559= (NM_003487.4).
Identifiers: ClinVar variation 786316 (VCV000786316.5), dbSNP rs138688016, ClinGen allele CA290041763.